The following is an entry in ClinVar:

ClinVar aggregate classification (germline): Likely benign. Review status: criteria provided, multiple submitters, no conflicts (2 of 4 stars). 3 submissions from 3 submitters: Likely benign (2). 1 of the submissions does not count toward it. Last evaluated 2025-09-22.

Conditions:
Hereditary sensory and autonomic neuropathy type 6. Also called: HSAN VI; Neuropathy, hereditary sensory and autonomic, type VI. Identifiers: Orphanet 314381, MedGen C3539003, MONDO:0013839, OMIM 614653.
Epidermolysis bullosa simplex 3, localized or generalized intermediate, with BP230 deficiency (EBS3). Also called: Epidermolysis bullosa simplex, autosomal recessive 2; Epidermolysis bullosa simplex due to BP230 deficiency. Identifiers: Orphanet 412181, MedGen C3809470, MONDO:0014180, OMIM 615425.
DST-related disorder. Also called: DST-related disorders; DST-related condition.

Allele frequency attached by ClinVar (database versions not stated): gnomAD exomes 0.00008; ExAC 0.00012; gnomAD 0.00032; ESP Exome Variant Server 0.00038; TOPMed 0.00045; 1000 Genomes Project 30x 0.00047; 1000 Genomes Project 0.00060.
gnomAD v4.1: 144 of 1,614,202 alleles (0.0089%); highest among the groups gnomAD compares: Middle Eastern, 0.13%; no homozygotes.

Submissions (3):

Labcorp Genetics (formerly Invitae), Labcorp
Classification: Likely benign for Epidermolysis bullosa simplex 3, localized or generalized intermediate, with BP230 deficiency; Hereditary sensory and autonomic neuropathy type 6. Last evaluated: 2025-09-22. Review status: criteria provided, single submitter. Criteria: Invitae Variant Classification Sherloc (09022015). Collection method: clinical testing. Allele origin: germline.

CeGaT Center for Human Genetics Tuebingen
Classification: Likely benign. Last evaluated: 2022-03-01. Review status: criteria provided, single submitter. Criteria: CeGaT Center For Human Genetics Tuebingen Variant Classification Criteria Version 2. Collection method: clinical testing. Allele origin: germline. Affected: yes. Observed: 1 variant allele.
Comment: DST: BP4, BP7

PreventionGenetics, part of Exact Sciences
Classification: Likely benign for DST-related condition. Last evaluated: 2020-12-16. Review status: no assertion criteria provided. Collection method: clinical testing. Allele origin: germline. Not counted in ClinVar's aggregate classification.
Comment: This variant is classified as likely benign based on ACMG/AMP sequence variant interpretation guidelines (Richards et al. 2015 PMID: 25741868, with internal and published modifications).

NM_001723.7(DST):c.7578G>A (p.Gly2526=)

Gene: DST (dystonin; minus strand). Cytogenetic location: 6p12.1.
Variant type: single nucleotide variant.
Coding change: c.7578G>A on transcript NM_001723.7 (MANE Plus Clinical); coding-DNA position 7578, G replaced by A.
Protein change: p.Gly2526=; no amino-acid change (glycine 2526 retained).
Molecular consequence: synonymous variant. On other transcripts: intron variant (10).
Genome position (GRCh38, 1-based): chr6:56,615,889, C>T on the plus strand (G>A on the coding strand, the complement: DST is on the minus strand). VCF-style: chr6-56615889-C-T. GRCh37 (hg19) VCF-style: chr6-56480687-C-T.
Other names: c.4831-1405G>A (NM_001144769.5); c.4930-1405G>A (NM_001374722.1, NM_001374736.1); c.4957-1405G>A (NM_001374734.1); c.4417-1405G>A (NM_001144770.2); c.4297-1405G>A (NM_001374730.1, NM_001386100.1, NM_183380.4 and 1 more transcripts); c.3319-1405G>A (NM_015548.5).
Identifiers: ClinVar variation 541474 (VCV000541474.34), dbSNP rs143623628, ClinGen allele CA3869932.
Genomic context (GRCh38, chr6:56,615,889, plus strand): 5'-AATATTTGCATTCACAGCTTCCACCACTGACATCATTTTGTTAGTGATGGGATGGCCAAT[C>T]CCTGTGATTACTAATTCACACTGTCGCAGCTGCTGGGCAAACCCCTCATCAACCAGGCCT-3'
Protein context (NP_001714.1, residues 2516-2536): QLRQCELVIT[Gly2526=]IGHPITNKMM